The following is an entry in ClinVar:

ClinVar aggregate classification (germline): Uncertain significance. Review status: criteria provided, multiple submitters, no conflicts (2 of 4 stars). 2 submissions from 2 submitters: Uncertain significance (2). Last evaluated 2024-11-04.

Conditions:
Brugada syndrome. Also called: Sudden unexpected nocturnal death syndrome; Sudden unexplained nocturnal death syndrome; Sudden Unexplained Death Syndrome; Sudden Unexplained Nocturnal Death Syndrome (SUNDS). Identifiers: Orphanet 130, MedGen C1142166, MONDO:0015263.
Cardiovascular phenotype. Identifiers: MedGen CN230736.

Allele frequency attached by ClinVar (database versions not stated): gnomAD exomes below 0.00001; TOPMed below 0.00001; gnomAD 0.00001.

Submissions (2):

Labcorp Genetics (formerly Invitae), Labcorp
Classification: Uncertain significance for Brugada syndrome. Last evaluated: 2024-11-04. Review status: criteria provided, single submitter. Criteria: Invitae Variant Classification Sherloc (09022015). Collection method: clinical testing. Allele origin: germline.
Comment: This sequence change replaces glycine, which is neutral and non-polar, with arginine, which is basic and polar, at codon 98 of the SCN10A protein (p.Gly98Arg). This variant is not present in population databases (gnomAD no frequency). This variant has not been reported in the literature in individuals affected with SCN10A-related conditions. ClinVar contains an entry for this variant (Variation ID: 1797794). Invitae Evidence Modeling of protein sequence and biophysical properties (such as structural, functional, and spatial information, amino acid conservation, physicochemical variation, residue mobility, and thermodynamic stability) indicates that this missense variant is not expected to disrupt SCN10A protein function with a negative predictive value of 80%. In summary, the available evidence is currently insufficient to determine the role of this variant in disease. Therefore, it has been classified as a Variant of Uncertain Significance.

Ambry Genetics
Classification: Uncertain significance for Cardiovascular phenotype. Last evaluated: 2022-01-30. Review status: criteria provided, single submitter. Criteria: Ambry Variant Classification Scheme 2023. Collection method: clinical testing. Allele origin: germline.
Comment: The p.G98R variant (also known as c.292G>A), located in coding exon 2 of the SCN10A gene, results from a G to A substitution at nucleotide position 292. The glycine at codon 98 is replaced by arginine, an amino acid with dissimilar properties. This amino acid position is conserved. In addition, the in silico prediction for this alteration is inconclusive. Since supporting evidence is limited at this time, the clinical significance of this alteration remains unclear.

NM_006514.4(SCN10A):c.292G>A (p.Gly98Arg)

Gene: SCN10A (sodium voltage-gated channel alpha subunit 10; minus strand). Cytogenetic location: 3p22.2.
Variant type: single nucleotide variant.
Coding change: c.292G>A on transcript NM_006514.4 (MANE Select); coding-DNA position 292, G replaced by A.
Protein change: p.Gly98Arg; replaces glycine 98 with arginine.
Molecular consequence: missense variant.
Genome position (GRCh38, 1-based): chr3:38,792,147, C>T on the plus strand (G>A on the coding strand, the complement: SCN10A is on the minus strand). VCF-style: chr3-38792147-C-T. GRCh37 (hg19) VCF-style: chr3-38833638-C-T.
Other names: c.292G>A, p.Gly98Arg (NM_001293306.2, NM_001293307.2); short protein forms G98R.
Identifiers: ClinVar variation 1797794 (VCV001797794.4), dbSNP rs1322189440, ClinGen allele CA352161448.